The following is an entry in ClinVar:

NM_024529.5(CDC73):c.140A>G (p.Lys47Arg)

Gene: CDC73 (cell division cycle 73; plus strand). Cytogenetic location: 1q31.2.
Variant type: single nucleotide variant.
Coding change: c.140A>G on transcript NM_024529.5 (MANE Select); coding-DNA position 140, A replaced by G.
Protein change: p.Lys47Arg; replaces lysine 47 with arginine.
Molecular consequence: missense variant.
Genome position (GRCh38, 1-based): chr1:193,125,120, A>G. VCF-style: chr1-193125120-A-G. GRCh37 (hg19) VCF-style: chr1-193094250-A-G.
Other names: short protein forms K47R.
Identifiers: ClinVar variation 4223473 (VCV004223473.1).

ClinVar aggregate classification (germline): Uncertain significance (1 of 4 stars; one submission).

Conditions:
Hereditary cancer-predisposing syndrome. Also called: Hereditary Cancer Syndrome; Hereditary neoplastic syndrome; Neoplastic Syndromes, Hereditary; Tumor predisposition. Identifiers: Orphanet 140162, MedGen C0027672, MeSH D009386, MONDO:0015356.

Submission:

Ambry Genetics
Classification: Uncertain significance for Hereditary cancer-predisposing syndrome. Last evaluated: 2025-07-02. Review status: criteria provided, single submitter. Criteria: Ambry Variant Classification Scheme 2023. Collection method: clinical testing. Allele origin: germline.
Comment: The p.K47R variant (also known as c.140A>G), located in coding exon 2 of the CDC73 gene, results from an A to G substitution at nucleotide position 140. The lysine at codon 47 is replaced by arginine, an amino acid with highly similar properties. This amino acid position is conserved. In addition, the in silico prediction for this alteration is inconclusive. Based on the available evidence, the clinical significance of this variant remains unclear.